The following is an entry in ClinVar:

NM_020631.6(PLEKHG5):c.142G>T (p.Gly48Cys)

Gene: PLEKHG5 (pleckstrin homology and RhoGEF domain containing G5; minus strand). Cytogenetic location: 1p36.31.
Variant type: single nucleotide variant.
Coding change: c.142G>T on transcript NM_020631.6 (MANE Select); coding-DNA position 142, G replaced by T.
Protein change: p.Gly48Cys; replaces glycine 48 with cysteine.
Molecular consequence: missense variant.
Genome position (GRCh38, 1-based): chr1:6,475,938, C>A on the plus strand (G>T on the coding strand, the complement: PLEKHG5 is on the minus strand). VCF-style: chr1-6475938-C-A. GRCh37 (hg19) VCF-style: chr1-6535998-C-A.
Other names: c.142G>T, p.Gly48Cys (NM_198681.4, NM_001042664.2, NM_001042665.2 and 1 more transcripts); c.253G>T, p.Gly85Cys (NM_001042663.3, NM_001265592.2); c.349G>T, p.Gly117Cys (NM_001265593.2); c.142G>T (NM_020631.4); short protein forms G85C, G117C, G48C.
Identifiers: ClinVar variation 3215002 (VCV003215002.2), dbSNP rs1644753835, ClinGen allele CA338141108.

ClinVar aggregate classification (germline): Uncertain significance. Review status: criteria provided, multiple submitters, no conflicts (2 of 4 stars). 2 submissions from 2 submitters: Uncertain significance (2). Last evaluated 2026-02-06.

Conditions:
Inborn genetic diseases. Identifiers: MedGen C0950123, MeSH D030342.

Allele frequency attached by ClinVar (database versions not stated): gnomAD 0.00001.
gnomAD v4.1: 1 of 1,613,410 alleles (0.000062%); highest among the groups gnomAD compares: Admixed American, 0.0017%; no homozygotes.

Submissions (2):

GeneDx
Classification: Uncertain significance. Last evaluated: 2026-02-06. Review status: criteria provided, single submitter. Criteria: GeneDx Variant Classification Process June 2021. Collection method: clinical testing. Allele origin: germline.
Comment: Not observed at significant frequency in large population cohorts (gnomAD); In silico analysis supports that this missense variant has a deleterious effect on protein structure/function; Has not been previously published as pathogenic or benign to our knowledge

Ambry Genetics
Classification: Uncertain significance for Inborn genetic diseases. Last evaluated: 2024-01-24. Review status: criteria provided, single submitter. Criteria: Ambry Variant Classification Scheme 2023. Collection method: clinical testing. Allele origin: germline.